The following is an entry in ClinVar:

NM_017999.5(RNF31):c.1201G>C (p.Gly401Arg)

Gene: RNF31 (ring finger protein 31; plus strand). Cytogenetic location: 14q12.
Variant type: single nucleotide variant.
Coding change: c.1201G>C on transcript NM_017999.5 (MANE Select); coding-DNA position 1201, G replaced by C.
Protein change: p.Gly401Arg; replaces glycine 401 with arginine.
Molecular consequence: missense variant.
Genome position (GRCh38, 1-based): chr14:24,150,601, G>C. VCF-style: chr14-24150601-G-C. GRCh37 (hg19) VCF-style: chr14-24619810-G-C.
Other names: c.748G>C, p.Gly250Arg (NM_001310332.2); c.1201G>C (NM_017999.4); short protein forms G250R, G401R.
Identifiers: ClinVar variation 1347950 (VCV001347950.7), dbSNP rs372245499, ClinGen allele CA7125724.

ClinVar aggregate classification (germline): Uncertain significance. Review status: criteria provided, multiple submitters, no conflicts (2 of 4 stars). 2 submissions from 2 submitters: Uncertain significance (2). Last evaluated 2025-09-01.

Allele frequency attached by ClinVar (database versions not stated): ExAC 0.00001; gnomAD 0.00001 and 0.00002; TOPMed 0.00003; ESP Exome Variant Server 0.00008.
gnomAD v4.1: 28 of 1,606,596 alleles (0.0017%); highest among the groups gnomAD compares: African/African-American, 0.016%; no homozygotes.

Submissions (2):

Ambry Genetics
Classification: Uncertain significance. Last evaluated: 2025-09-01. Review status: criteria provided, single submitter. Criteria: Ambry Variant Classification Scheme 2023. Collection method: clinical testing. Allele origin: germline.

Labcorp Genetics (formerly Invitae), Labcorp
Classification: Uncertain significance. Last evaluated: 2025-07-28. Review status: criteria provided, single submitter. Criteria: Invitae Variant Classification Sherloc (09022015). Collection method: clinical testing. Allele origin: germline.
Comment: This sequence change replaces glycine, which is neutral and non-polar, with arginine, which is basic and polar, at codon 401 of the RNF31 protein (p.Gly401Arg). This variant is present in population databases (rs372245499, gnomAD 0.007%). This variant has not been reported in the literature in individuals affected with RNF31-related conditions. ClinVar contains an entry for this variant (Variation ID: 1347950). An algorithm developed to predict the effect of missense changes on protein structure and function outputs the following: PolyPhen-2: "Benign". The arginine amino acid residue is found in multiple mammalian species, which suggests that this missense change does not adversely affect protein function. In summary, the available evidence is currently insufficient to determine the role of this variant in disease. Therefore, it has been classified as a Variant of Uncertain Significance.